The following is an entry in ClinVar:

ClinVar aggregate classification (germline): Pathogenic (1 of 4 stars; one submission).

Conditions:
Duchenne muscular dystrophy (DMD). Also called: MUSCULAR DYSTROPHY, PSEUDOHYPERTROPHIC PROGRESSIVE, DUCHENNE TYPE; Duchenne Muscular Dystrophy (DMD). Identifiers: Orphanet 98896, MedGen C0013264, MONDO:0010679, OMIM 310200.

Submission:

Labcorp Genetics (formerly Invitae), Labcorp
Classification: Pathogenic for Duchenne muscular dystrophy. Last evaluated: 2025-03-10. Review status: criteria provided, single submitter. Criteria: Invitae Variant Classification Sherloc (09022015). Collection method: clinical testing. Allele origin: germline.
Comment: This sequence change creates a premature translational stop signal (p.Thr2710Glnfs*16) in the DMD gene. It is expected to result in an absent or disrupted protein product. Loss-of-function variants in DMD are known to be pathogenic (PMID: 16770791, 25007885). This variant is not present in population databases (gnomAD no frequency). This variant has not been reported in the literature in individuals affected with DMD-related conditions. ClinVar contains an entry for this variant (Variation ID: 2744634). For these reasons, this variant has been classified as Pathogenic.

Literature cited by the submitters: PubMed 16770791; PubMed 25007885.

NM_004006.3(DMD):c.8128del (p.Thr2710fs)

Gene: DMD (dystrophin; minus strand). Cytogenetic location: Xp21.1.
Variant type: Deletion.
Coding change: c.8128del on transcript NM_004006.3 (MANE Select); coding-DNA position 8128, one base deleted (A; older notation c.8128delA).
Protein change: p.Thr2710fs; shifts the reading frame from threonine 2710.
Molecular consequence: frameshift variant.
Genome position (GRCh38, 1-based): chrX:31,627,762, T deleted on the plus strand (A on the coding strand, the reverse complement: DMD is on the minus strand); the first of 3 consecutive T bases (chrX:31,627,762-31,627,764); deleting any one gives the same sequence. VCF-style (leftmost placement, unchanged base first): chrX-31627761-GT-G. GRCh37 (hg19) VCF-style: chrX-31645878-GT-G.
Other names: c.8104del, p.Thr2702fs (NM_000109.4); c.8116del, p.Thr2706fs (NM_004009.3); c.7759del, p.Thr2587fs (NM_004010.3); c.4105del, p.Thr1369fs (NM_004011.4); c.4096del, p.Thr1366fs (NM_004012.4); c.748del, p.Thr250fs (NM_004013.3, NM_004020.4, NM_004021.3 and 2 more transcripts); short protein forms T250fs, T2587fs, T2706fs, T2702fs, T1366fs, T1369fs, T2710fs.
Identifiers: ClinVar variation 2744634 (VCV002744634.3), dbSNP rs2528278346, ClinGen allele CA2697552927.
Genomic context (GRCh38, chrX:31,627,761, plus strand): 5'-CCCTTGGAGTCTTCTAGGAGCCTTTCCTTACGGGTAGCATCCTGTAGGACATTGGCAGTT[GT>G]TTCAGCTTCTGTAAGCCAGGCAAGAAACTTTTCCAGGTCCAGGGGGAACTGTTGCAGTAA-3'